The following is an entry in ClinVar:

NM_000083.3(CLCN1):c.2540A>T (p.His847Leu)

Gene: CLCN1 (chloride voltage-gated channel 1; plus strand). Cytogenetic location: 7q34.
Variant type: single nucleotide variant.
Coding change: c.2540A>T on transcript NM_000083.3 (MANE Select); coding-DNA position 2540, A replaced by T.
Protein change: p.His847Leu; replaces histidine 847 with leucine.
Molecular consequence: missense variant. On other transcripts: non-coding transcript variant (1).
Genome position (GRCh38, 1-based): chr7:143,350,599, A>T. VCF-style: chr7-143350599-A-T. GRCh37 (hg19) VCF-style: chr7-143047692-A-T.
Other names: short protein forms H847L.
Identifiers: ClinVar variation 3371254 (VCV003371254.1).

ClinVar aggregate classification (germline): Uncertain significance (1 of 4 stars; one submission).

gnomAD v4.1: 1 of 1,613,958 alleles (0.000062%); highest among the groups gnomAD compares: Non-Finnish European, 0.000085%; no homozygotes.

Submission:

GeneDx
Classification: Uncertain significance. Last evaluated: 2024-03-21. Review status: criteria provided, single submitter. Criteria: GeneDx Variant Classification Process June 2021. Collection method: clinical testing. Allele origin: germline. Affected: yes.
Comment: Not observed at significant frequency in large population cohorts (gnomAD); In silico analysis supports that this missense variant has a deleterious effect on protein structure/function; Has not been previously published as pathogenic or benign to our knowledge